The following is an entry in ClinVar:

NM_001256789.3(CACNA1F):c.1595C>T (p.Thr532Met)

Gene: CACNA1F (calcium voltage-gated channel subunit alpha1 F; minus strand). Cytogenetic location: Xp11.23.
Variant type: single nucleotide variant.
Coding change: c.1595C>T on transcript NM_001256789.3 (MANE Select); coding-DNA position 1595, C replaced by T.
Protein change: p.Thr532Met; replaces threonine 532 with methionine.
Molecular consequence: missense variant.
Genome position (GRCh38, 1-based): chrX:49,225,965, G>A on the plus strand (C>T on the coding strand, the complement: CACNA1F is on the minus strand). VCF-style: chrX-49225965-G-A. GRCh37 (hg19) VCF-style: chrX-49082427-G-A.
Other names: c.1628C>T (NM_005183.2); c.1433C>T, p.Thr478Met (NM_001256790.3); c.1628C>T, p.Thr543Met (NM_005183.4); short protein forms T478M, T543M, T532M.
Identifiers: ClinVar variation 2895903 (VCV002895903.4), dbSNP rs781971299, ClinGen allele CA10410821.
Genomic context (GRCh38, chrX:49,225,965, plus strand): 5'-GTACCCTGGATCTGGGTGAGCCACACAGGCTGCCCGTGGTGCTCAGAGGCGATGGTCAAC[G>A]TGTTGAGGAAGACGAGCAACAGCACAGCCCAGTAGCAGGCATTGGACTTCACTGCCCGAC-3'
Protein context (NP_001243718.1, residues 522-542): WAVLLLVFLN[Thr532Met]LTIASEHHGQ

ClinVar aggregate classification (germline): Uncertain significance. Review status: criteria provided, multiple submitters, no conflicts (2 of 4 stars). 2 submissions from 2 submitters: Uncertain significance (2). Last evaluated 2024-03-03.

Conditions:
Inborn genetic diseases. Identifiers: MedGen C0950123, MeSH D030342.

Allele frequency attached by ClinVar (database versions not stated): gnomAD 0.00001; TOPMed 0.00001.
gnomAD v4.1: 19 of 1,169,393 alleles (0.0016%); highest among the groups gnomAD compares: South Asian, 0.0019%; no homozygotes.

Submissions (2):

Labcorp Genetics (formerly Invitae), Labcorp
Classification: Uncertain significance. Last evaluated: 2024-03-03. Review status: criteria provided, single submitter. Criteria: Invitae Variant Classification Sherloc (09022015). Collection method: clinical testing. Allele origin: germline.
Comment: This sequence change replaces threonine, which is neutral and polar, with methionine, which is neutral and non-polar, at codon 543 of the CACNA1F protein (p.Thr543Met). This variant is not present in population databases (gnomAD no frequency). This variant has not been reported in the literature in individuals affected with CACNA1F-related conditions. Advanced modeling of protein sequence and biophysical properties (such as structural, functional, and spatial information, amino acid conservation, physicochemical variation, residue mobility, and thermodynamic stability) performed at Invitae indicates that this missense variant is expected to disrupt CACNA1F protein function with a positive predictive value of 80%. In summary, the available evidence is currently insufficient to determine the role of this variant in disease. Therefore, it has been classified as a Variant of Uncertain Significance.

Ambry Genetics
Classification: Uncertain significance for Inborn genetic diseases. Last evaluated: 2023-12-06. Review status: criteria provided, single submitter. Criteria: Ambry Variant Classification Scheme 2023. Collection method: clinical testing. Allele origin: germline.